The following is an entry in ClinVar:

ClinVar aggregate classification (germline): Uncertain significance (1 of 4 stars; one submission).

gnomAD v4.1: 1 of 1,614,224 alleles (0.000062%); highest among the groups gnomAD compares: African/African-American, 0.0013%; no homozygotes.

Submission:

Labcorp Genetics (formerly Invitae), Labcorp
Classification: Uncertain significance. Last evaluated: 2023-02-03. Review status: criteria provided, single submitter. Criteria: Invitae Variant Classification Sherloc (09022015). Collection method: clinical testing. Allele origin: germline.
Comment: This sequence change replaces glycine, which is neutral and non-polar, with valine, which is neutral and non-polar, at codon 2391 of the FLNB protein (p.Gly2391Val). This variant is not present in population databases (gnomAD no frequency). This variant has not been reported in the literature in individuals affected with FLNB-related conditions. Advanced modeling of protein sequence and biophysical properties (such as structural, functional, and spatial information, amino acid conservation, physicochemical variation, residue mobility, and thermodynamic stability) performed at Invitae indicates that this missense variant is not expected to disrupt FLNB protein function. In summary, the available evidence is currently insufficient to determine the role of this variant in disease. Therefore, it has been classified as a Variant of Uncertain Significance.

NM_001457.4(FLNB):c.7172G>T (p.Gly2391Val)

Genes: FLNB (filamin B; plus strand), FLNB-AS1 (FLNB antisense RNA 1; minus strand). Cytogenetic location: 3p14.3.
Variant type: single nucleotide variant.
Coding change: c.7172G>T on transcript NM_001457.4 (MANE Select); coding-DNA position 7172, G replaced by T.
Protein change: p.Gly2391Val; replaces glycine 2391 with valine.
Molecular consequence: missense variant. On other transcripts: non-coding transcript variant (1).
Genome position (GRCh38, 1-based): chr3:58,163,304, G>T. VCF-style: chr3-58163304-G-T. GRCh37 (hg19) VCF-style: chr3-58149031-G-T.
Other names: c.7265G>T, p.Gly2422Val (NM_001164317.2); c.7139G>T, p.Gly2380Val (NM_001164318.2); c.7100G>T, p.Gly2367Val (NM_001164319.2); short protein forms G2367V, G2422V, G2391V, G2380V.
Identifiers: ClinVar variation 2834283 (VCV002834283.3), dbSNP rs2471254575, ClinGen allele CA353364966.
Genomic context (GRCh38, chr3:58,163,304, plus strand): 5'-TCAAAGTGCGCGTTGGGGAGCCTGGACAAGCGGGGAACCCTGCCCTGGTGTCCGCCTATG[G>T]CACGGGACTCGAAGGGGGCACCACAGGTAACCCACTCTTCTGCTTCTTGAAGCCTTAACT-3'
Protein context (NP_001448.2, residues 2381-2401): AGNPALVSAY[Gly2391Val]TGLEGGTTGI